The following is an entry in ClinVar:

NM_000321.3(RB1):c.1262A>C (p.Asp421Ala)

Gene: RB1 (RB transcriptional corepressor 1; plus strand). Cytogenetic location: 13q14.2.
Variant type: single nucleotide variant.
Coding change: c.1262A>C on transcript NM_000321.3 (MANE Select); coding-DNA position 1262, A replaced by C.
Protein change: p.Asp421Ala; replaces aspartic acid 421 with alanine.
Molecular consequence: missense variant.
Genome position (GRCh38, 1-based): chr13:48,376,964, A>C. VCF-style: chr13-48376964-A-C. GRCh37 (hg19) VCF-style: chr13-48951100-A-C.
Other names: c.1262A>C, p.Asp421Ala (NM_001407165.1, NM_001407166.1); short protein forms D421A.
Identifiers: ClinVar variation 4544113 (VCV004544113.1).

ClinVar aggregate classification (germline): Uncertain significance (1 of 4 stars; one submission).

Conditions:
Hereditary cancer-predisposing syndrome. Also called: Tumor predisposition; Hereditary Cancer Syndrome; Hereditary neoplastic syndrome; Neoplastic Syndromes, Hereditary. Identifiers: Orphanet 140162, MedGen C0027672, MeSH D009386, MONDO:0015356.

Submission:

Ambry Genetics
Classification: Uncertain significance for Hereditary cancer-predisposing syndrome. Last evaluated: 2025-10-28. Review status: criteria provided, single submitter. Criteria: Ambry Variant Classification Scheme 2023. Collection method: clinical testing. Allele origin: germline.
Comment: The p.D421A variant (also known as c.1262A>C), located in coding exon 13 of the RB1 gene, results from an A to C substitution at nucleotide position 1262. The aspartic acid at codon 421 is replaced by alanine, an amino acid with dissimilar properties. This amino acid position is conserved. In addition, this alteration is predicted to be tolerated by in silico analysis. Based on the available evidence, the clinical significance of this variant remains unclear.